The following is an entry in ClinVar:

ClinVar aggregate classification (germline): Uncertain significance (1 of 4 stars; one submission).

Conditions:
Primary ciliary dyskinesia. Also called: Ciliary dyskinesia. Identifiers: Orphanet 244, MedGen C0008780, MONDO:0016575, HP:0012265.

Allele frequency attached by ClinVar (database versions not stated): ExAC 0.00002; gnomAD exomes 0.00004; gnomAD 0.00005; TOPMed 0.00007; ESP Exome Variant Server 0.00008.
gnomAD v4.1: 60 of 1,613,940 alleles (0.0037%); highest among the groups gnomAD compares: African/African-American, 0.013%; no homozygotes.

Submission:

Labcorp Genetics (formerly Invitae), Labcorp
Classification: Uncertain significance for Primary ciliary dyskinesia. Last evaluated: 2022-02-22. Review status: criteria provided, single submitter. Criteria: Invitae Variant Classification Sherloc (09022015). Collection method: clinical testing. Allele origin: germline.
Comment: This sequence change falls in intron 2 of the DNAAF1 gene. It does not directly change the encoded amino acid sequence of the DNAAF1 protein. It affects a nucleotide within the consensus splice site. This variant is present in population databases (rs375447481, gnomAD 0.005%). This variant has not been reported in the literature in individuals affected with DNAAF1-related conditions. Variants that disrupt the consensus splice site are a relatively common cause of aberrant splicing (PMID: 17576681, 9536098). Algorithms developed to predict the effect of sequence changes on RNA splicing suggest that this variant may disrupt the consensus splice site. In summary, the available evidence is currently insufficient to determine the role of this variant in disease. Therefore, it has been classified as a Variant of Uncertain Significance.

Literature cited by the submitters: PubMed 17576681; PubMed 9536098.

NM_178452.6(DNAAF1):c.260+3A>G

Gene: DNAAF1 (dynein axonemal assembly factor 1; plus strand). Cytogenetic location: 16q24.1.
Variant type: single nucleotide variant.
Coding change: c.260+3A>G on transcript NM_178452.6 (MANE Select); 3 bases into the intron after coding-DNA position 260, A replaced by G.
Molecular consequence: intron variant.
Genome position (GRCh38, 1-based): chr16:84,149,145, A>G. VCF-style: chr16-84149145-A-G. GRCh37 (hg19) VCF-style: chr16-84182750-A-G.
Identifiers: ClinVar variation 1987938 (VCV001987938.1), dbSNP rs375447481, ClinGen allele CA8202405.